The following is an entry in ClinVar:

ClinVar aggregate classification (germline): Uncertain significance (1 of 4 stars; one submission).

Allele frequency attached by ClinVar (database versions not stated): TOPMed below 0.00001.

Submission:

Labcorp Genetics (formerly Invitae), Labcorp
Classification: Uncertain significance. Last evaluated: 2021-05-08. Review status: criteria provided, single submitter. Criteria: Invitae Variant Classification Sherloc (09022015). Collection method: clinical testing. Allele origin: germline.
Comment: Algorithms developed to predict the effect of missense changes on protein structure and function are either unavailable or do not agree on the potential impact of this missense change (SIFT: "Deleterious"; PolyPhen-2: "Benign"; Align-GVGD: "Class C0"). This sequence change replaces proline with leucine at codon 188 of the KPNA7 protein (p.Pro188Leu). The proline residue is weakly conserved and there is a moderate physicochemical difference between proline and leucine. This variant is not present in population databases (ExAC no frequency). This variant has not been reported in the literature in individuals with KPNA7-related conditions. In summary, the available evidence is currently insufficient to determine the role of this variant in disease. Therefore, it has been classified as a Variant of Uncertain Significance.

NM_001145715.3(KPNA7):c.563C>T (p.Pro188Leu)

Gene: KPNA7 (karyopherin subunit alpha 7; minus strand). Cytogenetic location: 7q22.1.
Variant type: single nucleotide variant.
Coding change: c.563C>T on transcript NM_001145715.3 (MANE Select); coding-DNA position 563, C replaced by T.
Protein change: p.Pro188Leu; replaces proline 188 with leucine.
Molecular consequence: missense variant.
Genome position (GRCh38, 1-based): chr7:99,193,092, G>A on the plus strand (C>T on the coding strand, the complement: KPNA7 is on the minus strand). VCF-style: chr7-99193092-G-A. GRCh37 (hg19) VCF-style: chr7-98790715-G-A.
Other names: short protein forms P188L.
Identifiers: ClinVar variation 1391631 (VCV001391631.8), dbSNP rs1790045069, ClinGen allele CA368420278.